The following is an entry in ClinVar:

NM_001367624.2(ZNF469):c.2153C>G (p.Ser718Cys)

Gene: ZNF469 (zinc finger protein 469; plus strand). Cytogenetic location: 16q24.2.
Variant type: single nucleotide variant.
Coding change: c.2153C>G on transcript NM_001367624.2 (MANE Select); coding-DNA position 2153, C replaced by G.
Protein change: p.Ser718Cys; replaces serine 718 with cysteine.
Molecular consequence: missense variant.
Genome position (GRCh38, 1-based): chr16:88,429,623, C>G. VCF-style: chr16-88429623-C-G. GRCh37 (hg19) VCF-style: chr16-88496031-C-G.
Other names: short protein forms S718C.
Identifiers: ClinVar variation 4771269 (VCV004771269.1).

ClinVar aggregate classification (germline): Uncertain significance (1 of 4 stars; one submission).

Submission:

Labcorp Genetics (formerly Invitae), Labcorp
Classification: Uncertain significance. Last evaluated: 2025-03-05. Review status: criteria provided, single submitter. Criteria: Invitae Variant Classification Sherloc (09022015). Collection method: clinical testing. Allele origin: germline.
Comment: This sequence change replaces serine, which is neutral and polar, with cysteine, which is neutral and slightly polar, at codon 718 of the ZNF469 protein (p.Ser718Cys). This variant is not present in population databases (gnomAD no frequency). This variant has not been reported in the literature in individuals affected with ZNF469-related conditions. An algorithm developed to predict the effect of missense changes on protein structure and function (PolyPhen-2) suggests that this variant is likely to be disruptive. In summary, the available evidence is currently insufficient to determine the role of this variant in disease. Therefore, it has been classified as a Variant of Uncertain Significance.